The following is an entry in ClinVar:

NM_001430.5(EPAS1):c.1384G>T (p.Ala462Ser)

Gene: EPAS1 (endothelial PAS domain protein 1; plus strand). Cytogenetic location: 2p21.
Variant type: single nucleotide variant.
Coding change: c.1384G>T on transcript NM_001430.5 (MANE Select); coding-DNA position 1384, G replaced by T.
Protein change: p.Ala462Ser; replaces alanine 462 with serine.
Molecular consequence: missense variant.
Genome position (GRCh38, 1-based): chr2:46,378,028, G>T. VCF-style: chr2-46378028-G-T. GRCh37 (hg19) VCF-style: chr2-46605167-G-T.
Other names: short protein forms A462S.
Identifiers: ClinVar variation 3221544 (VCV003221544.1), dbSNP rs1684796693, ClinGen allele CA346703971.

ClinVar aggregate classification (germline): Uncertain significance (1 of 4 stars; one submission).

Conditions:
Inborn genetic diseases. Identifiers: MedGen C0950123, MeSH D030342.

Submission:

Ambry Genetics
Classification: Uncertain significance for Inborn genetic diseases. Last evaluated: 2023-12-14. Review status: criteria provided, single submitter. Criteria: Ambry Variant Classification Scheme 2023. Collection method: clinical testing. Allele origin: germline.
Comment: The p.A462S variant (also known as c.1384G>T), located in coding exon 10 of the EPAS1 gene, results from a G to T substitution at nucleotide position 1384. The alanine at codon 462 is replaced by serine, an amino acid with similar properties. This amino acid position is conserved. In addition, this alteration is predicted to be tolerated by in silico analysis. Since supporting evidence is limited at this time, the clinical significance of this alteration remains unclear.